The following is an entry in ClinVar:

NM_020779.4(WDR35):c.3448G>A (p.Gly1150Ser)

Gene: WDR35 (WD repeat domain 35; minus strand). Cytogenetic location: 2p24.1.
Variant type: single nucleotide variant.
Coding change: c.3448G>A on transcript NM_020779.4 (MANE Select); coding-DNA position 3448, G replaced by A.
Protein change: p.Gly1150Ser; replaces glycine 1150 with serine.
Molecular consequence: missense variant.
Genome position (GRCh38, 1-based): chr2:19,913,623, C>T on the plus strand (G>A on the coding strand, the complement: WDR35 is on the minus strand). VCF-style: chr2-19913623-C-T. GRCh37 (hg19) VCF-style: chr2-20113384-C-T.
Other names: c.3481G>A, p.Gly1161Ser (NM_001006657.2); c.3481G>A (NM_001006657.1); short protein forms G1161S, G1150S.
Identifiers: ClinVar variation 2160911 (VCV002160911.4), dbSNP rs767858165, ClinGen allele CA1542658.
Genomic context (GRCh38, chr2:19,913,623, plus strand): 5'-CCACTGGACTATGGCATAAGGGGCAGAAGCTGTAGTGGCTTATTTCCTGAGCAAGGACAC[C>T]GTGTTTGCATACACTGCACATCCAGAATTGATACTCAGTGATTGGGCTTCCTGTGGCAAC-3'
Protein context (NP_065830.2, residues 1140-1160): QFWMCSVCKH[Gly1150Ser]VLAQEISHYS

ClinVar aggregate classification (germline): Uncertain significance. Review status: criteria provided, multiple submitters, no conflicts (2 of 4 stars). 3 submissions from 3 submitters: Uncertain significance (3). Last evaluated 2025-10-23.

Conditions:
Short-rib thoracic dysplasia 7 with or without polydactyly (SRTD7). Also called: Short rib polydactyly syndrome 5; SHORT-RIB THORACIC DYSPLASIA 7 WITH POLYDACTYLY. Identifiers: Orphanet 498497, Orphanet 93271, MedGen C3279792, MONDO:0013569, OMIM 614091.
Cranioectodermal dysplasia 2 (CED2). Identifiers: Orphanet 1515, MedGen C3150874, MONDO:0013323, OMIM 613610.
Inborn genetic diseases. Identifiers: MedGen C0950123, MeSH D030342.

Allele frequency attached by ClinVar (database versions not stated): ExAC 0.00001; TOPMed 0.00003; gnomAD 0.00004.
gnomAD v4.1: 38 of 1,613,888 alleles (0.0024%); highest among the groups gnomAD compares: Non-Finnish European, 0.0031%; no homozygotes.

Submissions (3):

Ambry Genetics
Classification: Uncertain significance for Inborn genetic diseases. Last evaluated: 2025-10-23. Review status: criteria provided, single submitter. Criteria: Ambry Variant Classification Scheme 2023. Collection method: clinical testing. Allele origin: germline.

Fulgent Genetics
Classification: Uncertain significance for Cranioectodermal dysplasia 2; Short-rib thoracic dysplasia 7 with or without polydactyly. Last evaluated: 2024-02-22. Review status: criteria provided, single submitter. Criteria: ACMG Guidelines, 2015. Collection method: clinical testing. Allele origin: germline.

Labcorp Genetics (formerly Invitae), Labcorp
Classification: Uncertain significance for Cranioectodermal dysplasia 2; Short-rib thoracic dysplasia 7 with or without polydactyly. Last evaluated: 2021-12-19. Review status: criteria provided, single submitter. Criteria: Invitae Variant Classification Sherloc (09022015). Collection method: clinical testing. Allele origin: germline.
Comment: This sequence change replaces glycine, which is neutral and non-polar, with serine, which is neutral and polar, at codon 1161 of the WDR35 protein (p.Gly1161Ser). This variant is present in population databases (rs767858165, gnomAD 0.004%). This variant has not been reported in the literature in individuals affected with WDR35-related conditions. Algorithms developed to predict the effect of missense changes on protein structure and function (SIFT, PolyPhen-2, Align-GVGD) all suggest that this variant is likely to be tolerated. In summary, the available evidence is currently insufficient to determine the role of this variant in disease. Therefore, it has been classified as a Variant of Uncertain Significance.